The following is an entry in ClinVar:

NM_001367624.2(ZNF469):c.8429C>T (p.Ala2810Val)

Gene: ZNF469 (zinc finger protein 469; plus strand). Cytogenetic location: 16q24.2.
Variant type: single nucleotide variant.
Coding change: c.8429C>T on transcript NM_001367624.2 (MANE Select); coding-DNA position 8429, C replaced by T.
Protein change: p.Ala2810Val; replaces alanine 2810 with valine.
Molecular consequence: missense variant.
Genome position (GRCh38, 1-based): chr16:88,435,899, C>T. VCF-style: chr16-88435899-C-T. GRCh37 (hg19) VCF-style: chr16-88502307-C-T.
Other names: NM_001127464.1:c.8345C>T; short protein forms A2810V.
Identifiers: ClinVar variation 1763011 (VCV001763011.5), dbSNP rs1010183160, ClinGen allele CA397117761.

ClinVar aggregate classification (germline): Conflicting classifications of pathogenicity. Review status: criteria provided, conflicting classifications (1 of 4 stars). 3 submissions from 3 submitters: Uncertain significance (2); Likely benign (1). Last evaluated 2025-11-05.

Conditions:
Cardiovascular phenotype. Identifiers: MedGen CN230736.

gnomAD v4.1: 18 of 1,550,072 alleles (0.0012%); highest among the groups gnomAD compares: South Asian, 0.0024%; no homozygotes.

Submissions (3):

Women's Health and Genetics/Laboratory Corporation of America, LabCorp
Classification: Uncertain significance. Last evaluated: 2025-11-05. Review status: criteria provided, single submitter. Criteria: LabCorp Variant Classification Summary - May 2015. Collection method: clinical testing. Allele origin: germline.
Comment: Variant summary: ZNF469 c.8429C>T (p.Ala2810Val) results in a non-conservative amino acid change in the encoded protein sequence. Algorithms developed to predict the effect of missense changes on protein structure and function are either unavailable or do not agree on the potential impact of this missense change. The variant allele was found at a frequency of 1.2e-05 in 1550072 control chromosomes. This frequency is not significantly higher than estimated for disease-causing variants in ZNF469, allowing no conclusion about variant significance. To our knowledge, no occurrence of c.8429C>T in individuals affected with ZNF469-related conditions and no experimental evidence demonstrating its impact on protein function have been reported. ClinVar contains an entry for this variant (Variation ID: 1763011). Based on the evidence outlined above, the variant was classified as uncertain significance.

Labcorp Genetics (formerly Invitae), Labcorp
Classification: Uncertain significance. Last evaluated: 2022-04-28. Review status: criteria provided, single submitter. Criteria: Invitae Variant Classification Sherloc (09022015). Collection method: clinical testing. Allele origin: germline.
Comment: This sequence change replaces alanine, which is neutral and non-polar, with valine, which is neutral and non-polar, at codon 2782 of the ZNF469 protein (p.Ala2782Val). This variant is not present in population databases (gnomAD no frequency). This variant has not been reported in the literature in individuals affected with ZNF469-related conditions. Algorithms developed to predict the effect of missense changes on protein structure and function output the following: SIFT: "Tolerated"; PolyPhen-2: "Benign"; Align-GVGD: "Class C0". The valine amino acid residue is found in multiple mammalian species, which suggests that this missense change does not adversely affect protein function. In summary, the available evidence is currently insufficient to determine the role of this variant in disease. Therefore, it has been classified as a Variant of Uncertain Significance.

Ambry Genetics
Classification: Likely benign for Cardiovascular phenotype. Last evaluated: 2022-02-02. Review status: criteria provided, single submitter. Criteria: Ambry Variant Classification Scheme 2023. Collection method: clinical testing. Allele origin: germline.